The following is an entry in ClinVar:

ClinVar aggregate classification (germline): Uncertain significance (1 of 4 stars; one submission).

Conditions:
TELO2-related intellectual disability-neurodevelopmental disorder. Also called: You-Hoover-Fong syndrome. Identifiers: Orphanet 488642, MedGen C4310778, MONDO:0014848, OMIM 616954.

Submission:

Baylor Genetics
Classification: Uncertain significance for TELO2-related intellectual disability-neurodevelopmental disorder. Last evaluated: 2019-02-05. Review status: criteria provided, single submitter. Criteria: ACMG Guidelines, 2015. Collection method: clinical testing. Allele origin: paternal. Affected: yes.
Comment: This variant was determined to be of uncertain significance according to ACMG Guidelines, 2015 [PMID:25741868].

NM_016111.4(TELO2):c.2449G>A (p.Ala817Thr)

Gene: TELO2 (telomere maintenance 2; plus strand). Cytogenetic location: 16p13.3.
Variant type: single nucleotide variant.
Coding change: c.2449G>A on transcript NM_016111.4 (MANE Select); coding-DNA position 2449, G replaced by A.
Protein change: p.Ala817Thr; replaces alanine 817 with threonine.
Molecular consequence: missense variant.
Genome position (GRCh38, 1-based): chr16:1,509,871, G>A. VCF-style: chr16-1509871-G-A. GRCh37 (hg19) VCF-style: chr16-1559872-G-A.
Other names: c.2449G>A, p.Ala817Thr (NM_001351846.2); short protein forms A817T.
Identifiers: ClinVar variation 1030533 (VCV001030533.1), dbSNP rs2040070431, ClinGen allele CA394221944.